The following is an entry in ClinVar:

ClinVar aggregate classification (germline): Uncertain significance. Review status: criteria provided, multiple submitters, no conflicts (2 of 4 stars). 3 submissions from 3 submitters: Uncertain significance (3). Last evaluated 2025-09-23.

Conditions:
Intellectual developmental disorder, X-linked, syndromic, Claes-Jensen type. Also called: INTELLECTUAL DEVELOPMENTAL DISORDER, X-LINKED, SYNDROMIC 16; MENTAL RETARDATION, X-LINKED, SYNDROMIC 16; Syndromic X-linked intellectual disability Claes-Jensen type. Identifiers: Orphanet 85279, MedGen C1845243, MONDO:0010355, OMIM 300534.
Spastic paraplegia. Identifiers: MedGen C0037772, HP:0001258.

Submissions (3):

3billion
Classification: Uncertain significance for Intellectual developmental disorder, X-linked, syndromic, Claes-Jensen type. Last evaluated: 2025-09-23. Review status: criteria provided, single submitter. Criteria: ACMG Guidelines, 2015. Collection method: clinical testing. Allele origin: germline. Affected: yes.
Comment: The variant is not observed in the gnomAD v4.1.0 dataset. Predicted Consequence/Location: Inframe deletion located in a nonrepeat region: predicted to change the length of the protein and disrupt normal protein function. The variant has been reported as of uncertain significance (ClinVar ID: VCV003338760). Therefore, this variant is classified as VUS according to the recommendation of ACMG/AMP guideline.

Labcorp Genetics (formerly Invitae), Labcorp
Classification: Uncertain significance for Spastic paraplegia. Last evaluated: 2025-07-08. Review status: criteria provided, single submitter. Criteria: Invitae Variant Classification Sherloc (09022015). Collection method: clinical testing. Allele origin: germline.
Comment: This variant, c.3658_3660del, results in the deletion of 1 amino acid(s) of the KDM5C protein (p.Leu1220del), but otherwise preserves the integrity of the reading frame. This variant is not present in population databases (gnomAD no frequency). This variant has not been reported in the literature in individuals affected with KDM5C-related conditions. Experimental studies and prediction algorithms are not available or were not evaluated, and the functional significance of this variant is currently unknown. In summary, the available evidence is currently insufficient to determine the role of this variant in disease. Therefore, it has been classified as a Variant of Uncertain Significance.

GeneDx
Classification: Uncertain significance. Last evaluated: 2025-05-09. Review status: criteria provided, single submitter. Criteria: GeneDx Variant Classification Process June 2021. Collection method: clinical testing. Allele origin: germline. Affected: yes.
Comment: Not observed at significant frequency in large population cohorts (gnomAD); In-frame deletion of 1 amino acid(s) in a non-repeat region; In silico analysis supports a deleterious effect on protein structure/function; Has not been previously published as pathogenic or benign to our knowledge

NM_004187.5(KDM5C):c.3655CTC[1] (p.Leu1220del)

Gene: KDM5C (lysine demethylase 5C; minus strand). Cytogenetic location: Xp11.22.
Variant type: Microsatellite.
Coding change: c.3655CTC[1] on transcript NM_004187.5 (MANE Select); one copy of the 3-base unit CTC starting at c.3655; the reference has two copies in a row; one copy, 3 bases deleted; also written c.3658_3660del.
Protein change: p.Leu1220del; deletes leucine 1220.
Molecular consequence: inframe deletion. On other transcripts: non-coding transcript variant (3).
Genome position (GRCh38, 1-based): chrX:53,194,517-53,194,519, GAG deleted on the plus strand (CTC on the coding strand, the reverse complement: KDM5C is on the minus strand); deleting any 3 consecutive bases within chrX:53,194,517-53,194,523 gives the same sequence; the position shown is the placement nearest the transcript's 3' end. VCF-style (leftmost placement, unchanged base first): chrX-53194516-TGAG-T. GRCh37 (hg19) VCF-style: chrX-53223698-TGAG-T.
Other names: c.3454CTC[1], p.Leu1153del (NM_001146702.2); c.3652CTC[1], p.Leu1219del (NM_001282622.3, NM_001353979.2, NM_001353982.2); c.3655CTC[1], p.Leu1220del (NM_001353978.3, NM_001353981.2, NM_001353984.2); c.3658_3660del (NM_004187.5); short protein forms L1153del, L1219del, L1220del.
Identifiers: ClinVar variation 3338760 (VCV003338760.4).